The following is an entry in ClinVar:

NC_000014.9:g.(?_21320017)_(21334705_?)dup

Gene: RPGRIP1 (RPGR interacting protein 1; plus strand). Cytogenetic location: 14q11.2.
Variant type: Duplication.
Identifiers: ClinVar variation 831059 (VCV000831059.6).

ClinVar aggregate classification (germline): Likely pathogenic (1 of 4 stars; one submission).

Conditions:
Cone-rod dystrophy 13 (CORD13). Identifiers: Orphanet 1872, MedGen C2750720, MONDO:0011987, OMIM 608194.
Leber congenital amaurosis 6 (LCA6). Identifiers: Orphanet 65, MedGen C1854260, MONDO:0013446, OMIM 613826.

Submission:

Labcorp Genetics (formerly Invitae), Labcorp
Classification: Likely pathogenic for Leber congenital amaurosis 6; Cone-rod dystrophy 13. Last evaluated: 2022-03-10. Review status: criteria provided, single submitter. Criteria: Invitae Variant Classification Sherloc (09022015). Collection method: clinical testing. Allele origin: germline.
Comment: In summary, the currently available evidence indicates that the variant is pathogenic, but additional data are needed to prove that conclusively. Therefore, this variant has been classified as Likely Pathogenic. This variant has not been reported in the literature in individuals affected with RPGRIP1-related conditions. This variant results in a copy number gain of the genomic region encompassing exon(s) 11-20 of the RPGRIP1 gene. While the exact position of this variant cannot be determined from the data, sub-genic copy number gains are generally in tandem (PMID: 25640679). This variant is predicted to be out-of-frame, and may result in an absent or disrupted protein product. Loss-of-function variants in RPGRIP1 are known to be pathogenic (PMID: 11528500, 23105016).

Literature cited by the submitters: PubMed 25640679; PubMed 11528500; PubMed 23105016.